The following is an entry in ClinVar:

ClinVar aggregate classification (germline): Uncertain significance (1 of 4 stars; one submission).

Submission:

Labcorp Genetics (formerly Invitae), Labcorp
Classification: Uncertain significance. Last evaluated: 2025-05-19. Review status: criteria provided, single submitter. Criteria: Invitae Variant Classification Sherloc (09022015). Collection method: clinical testing. Allele origin: germline.
Comment: This sequence change replaces alanine, which is neutral and non-polar, with valine, which is neutral and non-polar, at codon 327 of the COL7A1 protein (p.Ala327Val). This variant is not present in population databases (gnomAD no frequency). This variant has not been reported in the literature in individuals affected with COL7A1-related conditions. Invitae Evidence Modeling of protein sequence and biophysical properties (such as structural, functional, and spatial information, amino acid conservation, physicochemical variation, residue mobility, and thermodynamic stability) indicates that this missense variant is not expected to disrupt COL7A1 protein function with a negative predictive value of 95%. In summary, the available evidence is currently insufficient to determine the role of this variant in disease. Therefore, it has been classified as a Variant of Uncertain Significance.

NM_000094.4(COL7A1):c.980C>T (p.Ala327Val)

Gene: COL7A1 (collagen type VII alpha 1 chain; minus strand). Cytogenetic location: 3p21.31.
Variant type: single nucleotide variant.
Coding change: c.980C>T on transcript NM_000094.4 (MANE Select); coding-DNA position 980, C replaced by T.
Protein change: p.Ala327Val; replaces alanine 327 with valine.
Molecular consequence: missense variant.
Genome position (GRCh38, 1-based): chr3:48,592,464, G>A on the plus strand (C>T on the coding strand, the complement: COL7A1 is on the minus strand). VCF-style: chr3-48592464-G-A. GRCh37 (hg19) VCF-style: chr3-48629897-G-A.
Other names: short protein forms A327V.
Identifiers: ClinVar variation 4761704 (VCV004761704.1).
Genomic context (GRCh38, chr3:48,592,464, plus strand): 5'-CAGGCCACCAGGAGGCTGTGGGCTGTGGTATTCTGGATGGTCAGTTCCGGCCCTTCTAGG[G>A]CAGCTGGGGGAGAGTCCCACCAGGGATTCATGGAGTCAGAAGTGGGAGGGGGTACTGGGG-3'
Protein context (NP_000085.1, residues 317-337): EAVSGTARTT[Ala327Val]LEGPELTIQN